The following is an entry in ClinVar:

ClinVar aggregate classification (germline): Benign (1 of 4 stars; one submission).

Allele frequency attached by ClinVar (database versions not stated): 1000 Genomes Project 30x 0.96424; gnomAD 0.96745; TOPMed 0.96047; 1000 Genomes Project 0.96685.
gnomAD v4.1: 146,902 of 152,166 alleles (97%); highest among the groups gnomAD compares: East Asian, 100%; 71,135 homozygotes.

Submission:

GeneDx
Classification: Benign. Last evaluated: 2018-06-14. Review status: criteria provided, single submitter. Criteria: GeneDx Variant Classification (06012015). Collection method: clinical testing. Allele origin: germline. Affected: yes.
Comment: This variant is considered likely benign or benign based on one or more of the following criteria: it is a conservative change, it occurs at a poorly conserved position in the protein, it is predicted to be benign by multiple in silico algorithms, and/or has population frequency not consistent with disease.

NM_020117.11(LARS1):c.1066-243T>A

Gene: LARS1 (leucyl-tRNA synthetase 1; minus strand). Cytogenetic location: 5q32.
Variant type: single nucleotide variant.
Coding change: c.1066-243T>A on transcript NM_020117.11 (MANE Select); 243 bases into the intron before coding-DNA position 1066, T replaced by A.
Molecular consequence: intron variant.
Genome position (GRCh38, 1-based): chr5:146,154,223, A>T on the plus strand (T>A on the coding strand, the complement: LARS1 is on the minus strand). VCF-style: chr5-146154223-A-T. GRCh37 (hg19) VCF-style: chr5-145533786-A-T.
Other names: c.904-243T>A (NM_001317965.2); c.985-243T>A (NM_016460.4); c.928-243T>A (NM_001317964.2).
Identifiers: ClinVar variation 684150 (VCV000684150.1), dbSNP rs2962505, ClinGen allele CA15367888.